The following is an entry in ClinVar:

NM_000051.4(ATM):c.2963A>G (p.Lys988Arg)

Gene: ATM (ATM serine/threonine kinase; plus strand). Cytogenetic location: 11q22.3.
Variant type: single nucleotide variant.
Coding change: c.2963A>G on transcript NM_000051.4 (MANE Select); coding-DNA position 2963, A replaced by G.
Protein change: p.Lys988Arg; replaces lysine 988 with arginine.
Molecular consequence: missense variant.
Genome position (GRCh38, 1-based): chr11:108,271,292, A>G. VCF-style: chr11-108271292-A-G. GRCh37 (hg19) VCF-style: chr11-108142019-A-G.
Other names: c.2963A>G, p.Lys988Arg (NM_001351834.2); short protein forms K988R.
Identifiers: ClinVar variation 2453955 (VCV002453955.2), dbSNP rs2135552346, ClinGen allele CA382547235.

ClinVar aggregate classification (germline): Uncertain significance (1 of 4 stars; one submission).

Conditions:
Hereditary cancer-predisposing syndrome. Also called: Neoplastic Syndromes, Hereditary; Hereditary neoplastic syndrome; Tumor predisposition; Hereditary Cancer Syndrome. Identifiers: Orphanet 140162, MedGen C0027672, MeSH D009386, MONDO:0015356.

Submission:

Ambry Genetics
Classification: Uncertain significance for Hereditary cancer-predisposing syndrome. Last evaluated: 2023-01-18. Review status: criteria provided, single submitter. Criteria: Ambry Variant Classification Scheme 2023. Collection method: clinical testing. Allele origin: germline.
Comment: The p.K988R variant (also known as c.2963A>G), located in coding exon 19 of the ATM gene, results from an A to G substitution at nucleotide position 2963. The lysine at codon 988 is replaced by arginine, an amino acid with highly similar properties. This variant was observed in an individual with early onset-breast cancer amongst a cohort of 1781 non-Ashkenazi Jewish individuals undergoing BRCA1/2 gene testing based on a personal history of breast cancer (Tung N et al. Cancer, 2015 Jan;121:25-33). This amino acid position is not well conserved in available vertebrate species. In addition, this alteration is predicted to be tolerated by in silico analysis. Since supporting evidence is limited at this time, the clinical significance of this alteration remains unclear.

Literature cited by the submitters: PubMed 25186627.